The following is an entry in ClinVar:

NM_012418.4(FSCN2):c.358T>C (p.Cys120Arg)

Gene: FSCN2 (fascin actin-bundling protein 2, retinal; plus strand). Cytogenetic location: 17q25.3.
Variant type: single nucleotide variant.
Coding change: c.358T>C on transcript NM_012418.4 (MANE Select); coding-DNA position 358, T replaced by C.
Protein change: p.Cys120Arg; replaces cysteine 120 with arginine.
Molecular consequence: missense variant.
Genome position (GRCh38, 1-based): chr17:81,528,889, T>C. VCF-style: chr17-81528889-T-C. GRCh37 (hg19) VCF-style: chr17-79495915-T-C.
Other names: c.358T>C, p.Cys120Arg (NM_001077182.3); short protein forms C120R.
Identifiers: ClinVar variation 1947988 (VCV001947988.5), dbSNP rs952258212, ClinGen allele CA295078536.
Genomic context (GRCh38, chr17:81,528,889, plus strand): 5'-TGGGTGCTGCGGTCCGAGCCGCACGGCCGCTTCTTCGGAGGCACCGAGGACCAGCTGTCC[T>C]GCTTCGCCACAGCCGTTTCCCCGGCCGAGCTGTGGACCGTGCACCTGGCCATCCACCCGC-3'
Protein context (NP_036550.1, residues 110-130): FFGGTEDQLS[Cys120Arg]FATAVSPAEL

ClinVar aggregate classification (germline): Uncertain significance (1 of 4 stars; one submission).

Allele frequency attached by ClinVar (database versions not stated): gnomAD exomes 0.00001.
gnomAD v4.1: 5 of 1,576,478 alleles (0.00032%); highest among the groups gnomAD compares: Non-Finnish European, 0.00043%; no homozygotes.

Submission:

Labcorp Genetics (formerly Invitae), Labcorp
Classification: Uncertain significance. Last evaluated: 2026-01-12. Review status: criteria provided, single submitter. Criteria: Invitae Variant Classification Sherloc (09022015). Collection method: clinical testing. Allele origin: germline.
Comment: This sequence change replaces cysteine, which is neutral and slightly polar, with arginine, which is basic and polar, at codon 120 of the FSCN2 protein (p.Cys120Arg). This variant is not present in population databases (gnomAD no frequency). This variant has not been reported in the literature in individuals affected with FSCN2-related conditions. ClinVar contains an entry for this variant (Variation ID: 1947988). An algorithm developed to predict the effect of missense changes on protein structure and function (PolyPhen-2) suggests that this variant is likely to be disruptive. In summary, the available evidence is currently insufficient to determine the role of this variant in disease. Therefore, it has been classified as a Variant of Uncertain Significance.